The following is an entry in ClinVar:

ClinVar aggregate classification (germline): Benign/Likely benign. Review status: criteria provided, multiple submitters, no conflicts (2 of 4 stars). 7 submissions from 7 submitters: Benign (2); Likely benign (5). Last evaluated 2024-11-01.

Conditions:
Neurofibromatosis, type 2 (SWNV). Also called: NF2-Related Schwannomatosis; BILATERAL ACOUSTIC NEUROFIBROMATOSIS; SCHWANNOMATOSIS, VESTIBULAR. Identifiers: Orphanet 637, MedGen C0027832, MONDO:0007039, OMIM 101000. Disease mechanism: loss of function.

Allele frequency attached by ClinVar (database versions not stated): gnomAD exomes 0.00016 and 0.00055; gnomAD 0.00026 and 0.00032; TOPMed 0.00032; 1000 Genomes Project 30x 0.00062; 1000 Genomes Project 0.00080; ExAC 0.00085.
gnomAD v4.1: 309 of 1,554,778 alleles (0.02%); highest among the groups gnomAD compares: East Asian, 0.57%; 3 homozygotes.

Submissions (7):

Blueprint Genetics
Classification: Likely benign. Last evaluated: 2024-11-01. Review status: criteria provided, single submitter. Criteria: ACMG Guidelines, 2015. Collection method: clinical testing. Allele origin: germline.

KCCC/NGS Laboratory, Kuwait Cancer Control Center
Classification: Likely benign for Neurofibromatosis, type 2. Last evaluated: 2023-07-07. Review status: criteria provided, single submitter. Criteria: ACMG Guidelines, 2015. Collection method: clinical testing. Allele origin: germline. Affected: yes.

Genome-Nilou Lab
Classification: Benign for Neurofibromatosis, type 2. Last evaluated: 2021-11-07. Review status: criteria provided, single submitter. Criteria: ACMG Guidelines, 2015. Collection method: clinical testing. Allele origin: germline. Affected: no.

Eurofins Ntd Llc (ga)
Classification: Likely benign. Last evaluated: 2018-05-29. Review status: criteria provided, single submitter. Criteria: EGL ClinVar v180209 classification definitions. Collection method: clinical testing. Allele origin: germline. Observed: 1 variant allele, 1 heterozygote.

Illumina Laboratory Services, Illumina
Classification: Benign for Neurofibromatosis, type 2. Last evaluated: 2018-01-12. Review status: criteria provided, single submitter. Criteria: ICSL Variant Classification Criteria 13 December 2019. Collection method: clinical testing. Allele origin: germline.
Comment: This variant was observed in the ICSL laboratory as part of a predisposition screen in an ostensibly healthy population. It had not been previously curated by ICSL or reported in the Human Gene Mutation Database (HGMD: prior to June 1st, 2018), and was therefore a candidate for classification through an automated scoring system. Utilizing variant allele frequency, disease prevalence and penetrance estimates, and inheritance mode, an automated score was calculated to assess if this variant is too frequent to cause the disease. Based on the score and internal cut-off values, a variant classified as benign is not then subjected to further curation. The score for this variant resulted in a classification of benign for this disease.

GeneDx
Classification: Likely benign. Last evaluated: 2017-10-04. Review status: criteria provided, single submitter. Criteria: GeneDx Variant Classification (06012015). Collection method: clinical testing. Allele origin: germline. Affected: yes.
Comment: This variant is considered likely benign or benign based on one or more of the following criteria: it is a conservative change, it occurs at a poorly conserved position in the protein, it is predicted to be benign by multiple in silico algorithms, and/or has population frequency not consistent with disease.

PreventionGenetics, part of Exact Sciences
Classification: Likely benign. Review status: criteria provided, single submitter. Criteria: ACMG Guidelines, 2015. Collection method: clinical testing. Allele origin: germline.

NM_000268.4(NF2):c.-18G>A

Gene: NF2 (NF2, moesin-ezrin-radixin like (MERLIN) tumor suppressor; plus strand). Cytogenetic location: 22q12.2.
Variant type: single nucleotide variant.
Coding change: c.-18G>A on transcript NM_000268.4 (MANE Select); 18 bases upstream of the start codon, G replaced by A.
Molecular consequence: 5 prime UTR variant. On other transcripts: non-coding transcript variant (1).
Genome position (GRCh38, 1-based): chr22:29,603,981, G>A. VCF-style: chr22-29603981-G-A. GRCh37 (hg19) VCF-style: chr22-29999970-G-A.
Other names: c.-18G>A (NM_016418.5, NM_181825.3, NM_181828.3 and 5 more transcripts).
Identifiers: ClinVar variation 262991 (VCV000262991.14), dbSNP rs201591536, ClinGen allele CA033361.